The following is an entry in ClinVar:

ClinVar aggregate classification (germline): Uncertain significance (1 of 4 stars; one submission).

Conditions:
Nephronophthisis 15 (NPHP15). Identifiers: Orphanet 3156, MedGen C3541853, MONDO:0013917, OMIM 614845.

Submission:

Labcorp Genetics (formerly Invitae), Labcorp
Classification: Uncertain significance for Nephronophthisis 15. Last evaluated: 2024-10-21. Review status: criteria provided, single submitter. Criteria: Invitae Variant Classification Sherloc (09022015). Collection method: clinical testing. Allele origin: germline.
Comment: This sequence change replaces glutamine, which is neutral and polar, with histidine, which is basic and polar, at codon 963 of the CEP164 protein (p.Gln963His). This variant is not present in population databases (gnomAD no frequency). This variant has not been reported in the literature in individuals affected with CEP164-related conditions. ClinVar contains an entry for this variant (Variation ID: 939986). Invitae Evidence Modeling of protein sequence and biophysical properties (such as structural, functional, and spatial information, amino acid conservation, physicochemical variation, residue mobility, and thermodynamic stability) indicates that this missense variant is not expected to disrupt CEP164 protein function with a negative predictive value of 80%. Algorithms developed to predict the effect of sequence changes on RNA splicing suggest that this variant may disrupt the consensus splice site. In summary, the available evidence is currently insufficient to determine the role of this variant in disease. Therefore, it has been classified as a Variant of Uncertain Significance.

NM_014956.5(CEP164):c.2889G>T (p.Gln963His)

Gene: CEP164 (centrosomal protein 164; plus strand). Cytogenetic location: 11q23.3.
Variant type: single nucleotide variant.
Coding change: c.2889G>T on transcript NM_014956.5 (MANE Select); coding-DNA position 2889, G replaced by T.
Protein change: p.Gln963His; replaces glutamine 963 with histidine.
Molecular consequence: missense variant.
Genome position (GRCh38, 1-based): chr11:117,395,167, G>T. VCF-style: chr11-117395167-G-T. GRCh37 (hg19) VCF-style: chr11-117265883-G-T.
Other names: c.2898G>T, p.Gln966His (NM_001271933.2); short protein forms Q966H, Q963H.
Identifiers: ClinVar variation 939986 (VCV000939986.9), dbSNP rs2045277340, ClinGen allele CA382730476.